The following is an entry in ClinVar:

ClinVar aggregate classification (germline): Benign/Likely benign. Review status: criteria provided, multiple submitters, no conflicts (2 of 4 stars). 8 submissions from 8 submitters: Benign (1); Likely benign (7). Last evaluated 2025-12-29.

Conditions:
Endometrial carcinoma. Also called: Endometrial carcinoma, somatic. Identifiers: MedGen C0476089, MONDO:0002447, OMIM 608089, HP:0012114.
Lynch syndrome 5 (LYNCH5). Also called: Hereditary non-polyposis colorectal cancer, type 5; Colorectal cancer, hereditary nonpolyposis, type 5. Identifiers: Orphanet 144, MedGen C1833477, MONDO:0013710, OMIM 614350. Disease mechanism: loss of function.
Mismatch repair cancer syndrome 3. Identifiers: MedGen C5436807, MONDO:0030841, OMIM 619097.
Hereditary nonpolyposis colorectal neoplasms. Identifiers: MedGen C0009405, MeSH D003123.
Hereditary cancer-predisposing syndrome. Also called: Hereditary Cancer Syndrome; Hereditary neoplastic syndrome; Neoplastic Syndromes, Hereditary; Tumor predisposition. Identifiers: Orphanet 140162, MedGen C0027672, MeSH D009386, MONDO:0015356.
Lynch syndrome. Identifiers: Orphanet 144, MedGen C4552100, MONDO:0005835. Disease mechanism: loss of function.

Allele frequency attached by ClinVar (database versions not stated): TOPMed below 0.00001; ExAC 0.00001; gnomAD 0.00001; gnomAD exomes 0.00001.
gnomAD v4.1: 15 of 1,614,076 alleles (0.00093%); highest among the groups gnomAD compares: South Asian, 0.015%; 1 homozygote.

Submissions (8):

Labcorp Genetics (formerly Invitae), Labcorp
Classification: Likely benign for Hereditary nonpolyposis colorectal neoplasms. Last evaluated: 2025-12-29. Review status: criteria provided, single submitter. Criteria: Invitae Variant Classification Sherloc (09022015). Collection method: clinical testing. Allele origin: germline.

Center for Genomic Medicine, Rigshospitalet, Copenhagen University Hospital
Classification: Likely benign. Last evaluated: 2025-03-04. Review status: criteria provided, single submitter. Criteria: ACMG Guidelines, 2015. Collection method: clinical testing. Allele origin: germline.

Department of Pathology and Laboratory Medicine, Sinai Health System
Classification: Likely benign for Endometrial carcinoma; Lynch syndrome 5; Mismatch repair cancer syndrome 3. Last evaluated: 2025-01-24. Review status: criteria provided, single submitter. Criteria: ACMG Guidelines, 2015. Collection method: clinical testing. Allele origin: germline.

Myriad Genetics, Inc.
Classification: Benign for Lynch syndrome 5. Last evaluated: 2024-12-30. Review status: criteria provided, single submitter. Criteria: Myriad Autosomal Dominant, Autosomal Recessive and X-Linked Classification Criteria (2023). Collection method: clinical testing. Allele origin: unknown.
Comment: This variant is considered benign. This variant is a silent/synonymous amino acid change and it is not expected to impact splicing.

All of Us Research Program, National Institutes of Health
Classification: Likely benign for Lynch syndrome. Last evaluated: 2023-10-02. Review status: criteria provided, single submitter. Criteria: ACMG Guidelines, 2015. Collection method: clinical testing. Allele origin: germline. Inheritance: Autosomal dominant inheritance. Observed: 1 variant allele, 1 heterozygote.
Comment: This study involves interpretation of variants in research participants for the purpose of population health screening. Participant phenotype was not available at the time of variant classification. Additional details can be found in publication PMID: 35346344, PMCID: PMC8962531

Quest Diagnostics Nichols Institute San Juan Capistrano
Classification: Likely benign. Last evaluated: 2023-02-14. Review status: criteria provided, single submitter. Criteria: Quest Diagnostics criteria. Collection method: clinical testing. Allele origin: unknown.

Ambry Genetics
Classification: Likely benign for Hereditary cancer-predisposing syndrome. Last evaluated: 2016-08-19. Review status: criteria provided, single submitter. Criteria: Ambry Variant Classification Scheme 2023. Collection method: clinical testing. Allele origin: germline.

Color Diagnostics, LLC DBA Color Health
Classification: Likely benign for Hereditary cancer-predisposing syndrome. Last evaluated: 2016-08-13. Review status: criteria provided, single submitter. Criteria: ACMG Guidelines, 2015. Collection method: clinical testing. Allele origin: germline.

Literature cited by the submitters: PubMed 34172528 (cited by Department of Pathology and Laboratory Medicine, Sinai Health System and Quest Diagnostics Nichols Institute San Juan Capistrano).

NM_000179.3(MSH6):c.2223C>T (p.Asn741=)

Gene: MSH6 (mutS homolog 6; plus strand). Cytogenetic location: 2p16.3.
Variant type: single nucleotide variant.
Coding change: c.2223C>T on transcript NM_000179.3 (MANE Select); coding-DNA position 2223, C replaced by T.
Protein change: p.Asn741=; no amino-acid change (asparagine 741 retained).
Molecular consequence: synonymous variant.
Genome position (GRCh38, 1-based): chr2:47,800,206, C>T. VCF-style: chr2-47800206-C-T. GRCh37 (hg19) VCF-style: chr2-48027345-C-T.
Other names: c.1833C>T, p.Asn611= (NM_001281492.2); c.1317C>T, p.Asn439= (NM_001281493.2, NM_001281494.2).
Identifiers: ClinVar variation 455180 (VCV000455180.29), dbSNP rs769668640, ClinGen allele CA068621.